The following is an entry in ClinVar:

NM_032119.4(ADGRV1):c.5810C>T (p.Pro1937Leu)

Gene: ADGRV1 (adhesion G protein-coupled receptor V1; plus strand). Cytogenetic location: 5q14.3.
Variant type: single nucleotide variant.
Coding change: c.5810C>T on transcript NM_032119.4 (MANE Select); coding-DNA position 5810, C replaced by T.
Protein change: p.Pro1937Leu; replaces proline 1937 with leucine.
Molecular consequence: missense variant. On other transcripts: non-coding transcript variant (1).
Genome position (GRCh38, 1-based): chr5:90,683,731, C>T. VCF-style: chr5-90683731-C-T. GRCh37 (hg19) VCF-style: chr5-89979548-C-T.
Other names: short protein forms P1937L.
Identifiers: ClinVar variation 3664630 (VCV003664630.2).

ClinVar aggregate classification (germline): Uncertain significance (1 of 4 stars; one submission).

gnomAD v4.1: 2 of 1,613,702 alleles (0.00012%); highest among the groups gnomAD compares: South Asian, 0.0011%; no homozygotes.

Submission:

Labcorp Genetics (formerly Invitae), Labcorp
Classification: Uncertain significance. Last evaluated: 2024-02-20. Review status: criteria provided, single submitter. Criteria: Invitae Variant Classification Sherloc (09022015). Collection method: clinical testing. Allele origin: germline.
Comment: This sequence change replaces proline, which is neutral and non-polar, with leucine, which is neutral and non-polar, at codon 1937 of the ADGRV1 protein (p.Pro1937Leu). This variant is present in population databases (no rsID available, gnomAD 0.004%). This variant has not been reported in the literature in individuals affected with ADGRV1-related conditions. Advanced modeling of protein sequence and biophysical properties (such as structural, functional, and spatial information, amino acid conservation, physicochemical variation, residue mobility, and thermodynamic stability) performed at Invitae indicates that this missense variant is not expected to disrupt ADGRV1 protein function with a negative predictive value of 95%. In summary, the available evidence is currently insufficient to determine the role of this variant in disease. Therefore, it has been classified as a Variant of Uncertain Significance.